The following is an entry in ClinVar:

NM_021813.4(BACH2):c.971C>G (p.Ala324Gly)

Gene: BACH2 (BACH transcriptional regulator 2; minus strand). Cytogenetic location: 6q15.
Variant type: single nucleotide variant.
Coding change: c.971C>G on transcript NM_021813.4 (MANE Select); coding-DNA position 971, C replaced by G.
Protein change: p.Ala324Gly; replaces alanine 324 with glycine.
Molecular consequence: missense variant.
Genome position (GRCh38, 1-based): chr6:89,951,135, G>C on the plus strand (C>G on the coding strand, the complement: BACH2 is on the minus strand). VCF-style: chr6-89951135-G-C. GRCh37 (hg19) VCF-style: chr6-90660854-G-C.
Other names: c.971C>G, p.Ala324Gly (NM_001170794.2); short protein forms A324G.
Identifiers: ClinVar variation 1417999 (VCV001417999.9), dbSNP rs772342406, ClinGen allele CA3928068.

ClinVar aggregate classification (germline): Conflicting classifications of pathogenicity. Review status: criteria provided, conflicting classifications (1 of 4 stars). 2 submissions from 2 submitters: Uncertain significance (1); Likely benign (1). Last evaluated 2025-12-02.

Allele frequency attached by ClinVar (database versions not stated): gnomAD 0.00011 and 0.00013.
gnomAD v4.1: 440 of 1,609,552 alleles (0.027%); highest among the groups gnomAD compares: Non-Finnish European, 0.035%; 2 homozygotes.

Submissions (2):

Labcorp Genetics (formerly Invitae), Labcorp
Classification: Uncertain significance. Last evaluated: 2025-12-02. Review status: criteria provided, single submitter. Criteria: Invitae Variant Classification Sherloc (09022015). Collection method: clinical testing. Allele origin: germline.
Comment: This sequence change replaces alanine, which is neutral and non-polar, with glycine, which is neutral and non-polar, at codon 324 of the BACH2 protein (p.Ala324Gly). This variant is present in population databases (rs772342406, gnomAD 0.02%). This variant has not been reported in the literature in individuals affected with BACH2-related conditions. ClinVar contains an entry for this variant (Variation ID: 1417999). An algorithm developed to predict the effect of missense changes on protein structure and function (PolyPhen-2) suggests that this variant is likely to be tolerated. In summary, the available evidence is currently insufficient to determine the role of this variant in disease. Therefore, it has been classified as a Variant of Uncertain Significance.

Blueprint Genetics
Classification: Likely benign. Last evaluated: 2024-10-15. Review status: criteria provided, single submitter. Criteria: ACMG Guidelines, 2015. Collection method: clinical testing. Allele origin: germline.